The following is an entry in ClinVar:

ClinVar aggregate classification (germline): Uncertain significance (1 of 4 stars; one submission).

Submission:

Labcorp Genetics (formerly Invitae), Labcorp
Classification: Uncertain significance. Last evaluated: 2025-12-01. Review status: criteria provided, single submitter. Criteria: Invitae Variant Classification Sherloc (09022015). Collection method: clinical testing. Allele origin: germline.
Comment: This sequence change creates a premature translational stop signal (p.Tyr30Hisfs*49) in the STN1 gene. It is expected to result in an absent or disrupted protein product. However, the current clinical and genetic evidence is not sufficient to establish whether loss-of-function variants in STN1 cause disease. This variant is not present in population databases (gnomAD no frequency). This variant has not been reported in the literature in individuals affected with STN1-related conditions. In summary, the available evidence is currently insufficient to determine the role of this variant in disease. Therefore, it has been classified as a Variant of Uncertain Significance.

NM_024928.5(STN1):c.87_88del (p.Tyr30fs)

Gene: STN1 (STN1 subunit of CST complex; minus strand). Cytogenetic location: 10q24.33.
Variant type: Microsatellite.
Coding change: c.87_88del on transcript NM_024928.5 (MANE Select); coding-DNA positions 87 to 88, 2 bases deleted (CT; older notation c.87_88delCT).
Protein change: p.Tyr30fs; shifts the reading frame from tyrosine 30.
Molecular consequence: frameshift variant.
Genome position (GRCh38, 1-based): chr10:103,917,507-103,917,508, AG deleted on the plus strand (CT on the coding strand, the reverse complement: STN1 is on the minus strand); deleting any 2 consecutive bases within chr10:103,917,507-103,917,510 gives the same sequence; the c. name uses the placement nearest the transcript's 3' end. VCF-style (leftmost placement, unchanged base first): chr10-103917506-TAG-T. GRCh37 (hg19) VCF-style: chr10-105677264-TAG-T.
Other names: short protein forms Y30fs.
Identifiers: ClinVar variation 4741096 (VCV004741096.1).
Genomic context (GRCh38, chr10:103,917,506, plus strand): 5'-GTGGCTAGCCACATACCTGGCACCTGGCGGGACTCCTTCATGTCCAGGATATCCCTGATG[TAG>T]AGTTTTGCAAAGGCTAGAAACACAGGATCCAAACCCCACAAGAGGGAAGGGGTCTCCTCT-3'